The following is an entry in ClinVar:

ClinVar aggregate classification (germline): Uncertain significance (1 of 4 stars; one submission).

Conditions:
Charcot-Marie-Tooth disease type 2E (CMT2E). Also called: CHARCOT-MARIE-TOOTH DISEASE, AXONAL, TYPE 2E; CHARCOT-MARIE-TOOTH NEUROPATHY, TYPE 2E. Identifiers: Orphanet 99939, MedGen C1843225, MONDO:0011894, OMIM 607684.

Submission:

Labcorp Genetics (formerly Invitae), Labcorp
Classification: Uncertain significance for Charcot-Marie-Tooth disease type 2E. Last evaluated: 2024-02-21. Review status: criteria provided, single submitter. Criteria: Invitae Variant Classification Sherloc (09022015). Collection method: clinical testing. Allele origin: germline.
Comment: This sequence change replaces serine, which is neutral and polar, with cysteine, which is neutral and slightly polar, at codon 130 of the NEFL protein (p.Ser130Cys). This variant is not present in population databases (gnomAD no frequency). This variant has not been reported in the literature in individuals affected with NEFL-related conditions. Advanced modeling of protein sequence and biophysical properties (such as structural, functional, and spatial information, amino acid conservation, physicochemical variation, residue mobility, and thermodynamic stability) performed at Invitae indicates that this missense variant is not expected to disrupt NEFL protein function with a negative predictive value of 80%. In summary, the available evidence is currently insufficient to determine the role of this variant in disease. Therefore, it has been classified as a Variant of Uncertain Significance.

NM_006158.5(NEFL):c.389C>G (p.Ser130Cys)

Gene: NEFL (neurofilament light chain; minus strand). Cytogenetic location: 8p21.2.
Variant type: single nucleotide variant.
Coding change: c.389C>G on transcript NM_006158.5 (MANE Select); coding-DNA position 389, C replaced by G.
Protein change: p.Ser130Cys; replaces serine 130 with cysteine.
Molecular consequence: missense variant.
Genome position (GRCh38, 1-based): chr8:24,956,127, G>C on the plus strand (C>G on the coding strand, the complement: NEFL is on the minus strand). VCF-style: chr8-24956127-G-C. GRCh37 (hg19) VCF-style: chr8-24813641-G-C.
Other names: short protein forms S130C.
Identifiers: ClinVar variation 3608318 (VCV003608318.2).
Genomic context (GRCh38, chr8:24,956,127, plus strand): 5'-GCCGCCAGGCGCAGGTCGCGGATCTCCTGCTCGTACAGCGCCCGGAAGCGGGATGGCTCG[G>C]AGTGCTTCTGGCGCAGCACCAGCAGCTCGGCTTCCAGGACCTTGTTCTGCTGCTCCAGCT-3'
Protein context (NP_006149.2, residues 120-140): AELLVLRQKH[Ser130Cys]EPSRFRALYE